The following is an entry in ClinVar:

ClinVar aggregate classification (germline): Uncertain significance (1 of 4 stars; one submission).

Conditions:
Hereditary cancer-predisposing syndrome. Also called: Neoplastic Syndromes, Hereditary; Tumor predisposition; Hereditary Cancer Syndrome; Hereditary neoplastic syndrome. Identifiers: Orphanet 140162, MedGen C0027672, MeSH D009386, MONDO:0015356.

Submission:

Ambry Genetics
Classification: Uncertain significance for Hereditary cancer-predisposing syndrome. Last evaluated: 2024-11-14. Review status: criteria provided, single submitter. Criteria: Ambry Variant Classification Scheme 2023. Collection method: clinical testing. Allele origin: germline.
Comment: The p.E100D variant (also known as c.300G>T), located in coding exon 2 of the POLD1 gene, results from a G to T substitution at nucleotide position 300. The glutamic acid at codon 100 is replaced by aspartic acid, an amino acid with highly similar properties. This amino acid position is conserved. In addition, this alteration is predicted to be tolerated by in silico analysis. Based on the available evidence, the clinical significance of this variant remains unclear.

NM_002691.4(POLD1):c.300G>T (p.Glu100Asp)

Gene: POLD1 (DNA polymerase delta 1, catalytic subunit; plus strand). Cytogenetic location: 19q13.33.
Variant type: single nucleotide variant.
Coding change: c.300G>T on transcript NM_002691.4 (MANE Select); coding-DNA position 300, G replaced by T.
Protein change: p.Glu100Asp; replaces glutamic acid 100 with aspartic acid.
Molecular consequence: missense variant. On other transcripts: non-coding transcript variant (1).
Genome position (GRCh38, 1-based): chr19:50,399,468, G>T. VCF-style: chr19-50399468-G-T. GRCh37 (hg19) VCF-style: chr19-50902725-G-T.
Other names: c.300G>T, p.Glu100Asp (NM_001256849.1, NM_001308632.1); short protein forms E100D.
Identifiers: ClinVar variation 3422005 (VCV003422005.1).